The following is an entry in ClinVar:

ClinVar aggregate classification (germline): Conflicting classifications of pathogenicity. Review status: criteria provided, conflicting classifications (1 of 4 stars). 6 submissions from 6 submitters: Uncertain significance (1); Benign (1); Likely benign (3). 1 of the submissions does not count toward it. Last evaluated 2025-10-07.

Conditions:
Focal segmental glomerulosclerosis 5 (FSGS5). Identifiers: Orphanet 656, MedGen C2750475, MONDO:0013191, OMIM 613237.
INF2-related disorder. Also called: INF2-related condition.
Charcot-Marie-Tooth disease dominant intermediate E. Also called: CHARCOT-MARIE-TOOTH NEUROPATHY WITH FOCAL SEGMENTAL GLOMERULONEPHRITIS. Identifiers: Orphanet 93114, MedGen C4302667, MONDO:0013758, OMIM 614455.

Allele frequency attached by ClinVar (database versions not stated): gnomAD 0.00006 and 0.00011; gnomAD exomes 0.00012 and 0.00033; ExAC 0.00019.
gnomAD v4.1: 165 of 1,277,168 alleles (0.013%); highest among the groups gnomAD compares: Middle Eastern, 0.44%; no homozygotes.

Submissions (6):

Labcorp Genetics (formerly Invitae), Labcorp
Classification: Likely benign for Charcot-Marie-Tooth disease dominant intermediate E; Focal segmental glomerulosclerosis 5. Last evaluated: 2025-10-07. Review status: criteria provided, single submitter. Criteria: Invitae Variant Classification Sherloc (09022015). Collection method: clinical testing. Allele origin: germline.

Blueprint Genetics
Classification: Likely benign. Last evaluated: 2024-11-27. Review status: criteria provided, single submitter. Criteria: ACMG Guidelines, 2015. Collection method: clinical testing. Allele origin: germline.

CeGaT Center for Human Genetics Tuebingen
Classification: Likely benign. Last evaluated: 2024-05-01. Review status: criteria provided, single submitter. Criteria: CeGaT Center For Human Genetics Tuebingen Variant Classification Criteria Version 2. Collection method: clinical testing. Allele origin: germline. Affected: yes. Observed: 2 variant alleles.
Comment: INF2: BS1

GeneDx
Classification: Benign. Last evaluated: 2020-11-16. Review status: criteria provided, single submitter. Criteria: GeneDx Variant Classification Process June 2021. Collection method: clinical testing. Allele origin: germline. Affected: yes.

Illumina Laboratory Services, Illumina
Classification: Uncertain significance for Focal segmental glomerulosclerosis 5. Last evaluated: 2018-01-12. Review status: criteria provided, single submitter. Criteria: ICSL Variant Classification Criteria 13 December 2019. Collection method: clinical testing. Allele origin: germline.

PreventionGenetics, part of Exact Sciences
Classification: Likely benign for INF2-related condition. Last evaluated: 2023-01-10. Review status: no assertion criteria provided. Collection method: clinical testing. Allele origin: germline. Not counted in ClinVar's aggregate classification.
Comment: This variant is classified as likely benign based on ACMG/AMP sequence variant interpretation guidelines (Richards et al. 2015 PMID: 25741868, with internal and published modifications).

NM_022489.4(INF2):c.1448C>T (p.Ser483Phe)

Gene: INF2 (inverted formin 2; plus strand). Cytogenetic location: 14q32.33.
Variant type: single nucleotide variant.
Coding change: c.1448C>T on transcript NM_022489.4 (MANE Select); coding-DNA position 1448, C replaced by T.
Protein change: p.Ser483Phe; replaces serine 483 with phenylalanine.
Molecular consequence: missense variant.
Genome position (GRCh38, 1-based): chr14:104,707,715, C>T. VCF-style: chr14-104707715-C-T. GRCh37 (hg19) VCF-style: chr14-105174052-C-T.
Other names: c.1448C>T, p.Ser483Phe (NM_001031714.4); short protein forms S483F.
Identifiers: ClinVar variation 518072 (VCV000518072.41), dbSNP rs753188664, ClinGen allele CA7372571.